The following is an entry in ClinVar:

ClinVar aggregate classification (germline): Uncertain significance (1 of 4 stars; one submission).

Submission:

Labcorp Genetics (formerly Invitae), Labcorp
Classification: Uncertain significance. Last evaluated: 2022-03-02. Review status: criteria provided, single submitter. Criteria: Invitae Variant Classification Sherloc (09022015). Collection method: clinical testing. Allele origin: germline.
Comment: In summary, the available evidence is currently insufficient to determine the role of this variant in disease. Therefore, it has been classified as a Variant of Uncertain Significance. Algorithms developed to predict the effect of sequence changes on RNA splicing suggest that this variant may create or strengthen a splice site. This variant has not been reported in the literature in individuals affected with PPCS-related conditions. This variant is not present in population databases (gnomAD no frequency). This sequence change affects the initiator methionine of the PPCS mRNA. The next in-frame methionine is located at codon 4.

NM_024664.4(PPCS):c.1A>G (p.Met1Val)

Genes: CCDC30 (coiled-coil domain containing 30; plus strand), PPCS (phosphopantothenoylcysteine synthetase; plus strand). Cytogenetic location: 1p34.2.
Variant type: single nucleotide variant.
Coding change: c.1A>G on transcript NM_024664.4 (MANE Select); coding-DNA position 1, A replaced by G.
Protein change: p.Met1Val; changes the start codon (methionine 1).
Molecular consequence: missense variant, initiator codon variant. On other transcripts: 5 prime UTR variant (4), intron variant (3).
Genome position (GRCh38, 1-based): chr1:42,456,566, A>G. VCF-style: chr1-42456566-A-G. GRCh37 (hg19) VCF-style: chr1-42922237-A-G.
Other names: c.-74A>G (NM_001077447.3); c.-170A>G (NM_001287508.2); c.-29A>G (NM_001287509.2); c.-692A>G (NM_001287510.2); c.1A>G, p.Met1Val (NM_001287511.2); c.-984+67A>G (NM_001355226.2); c.-328+67A>G (NM_001287507.1); c.-12+67A>G (NM_001287506.1); short protein forms M1V.
Identifiers: ClinVar variation 1462177 (VCV001462177.8), dbSNP rs765428843, ClinGen allele CA339943462.
Genomic context (GRCh38, chr1:42,456,566, plus strand): 5'-GAGAAGGGGCGTGGCGCGGCGGCCGCGAAACGTGCGCAGGCGCCGGCCGCTGCGCTGCAG[A>G]TGGCGGAAATGGATCCGGTAGCCGAGTTCCCCCAGCCTCCCGGTGCTGCGCGCTGGGCTG-3'
Protein context (NP_078940.2, residues 1-11): [Met1Val]AEMDPVAEFP